The following is an entry in ClinVar:

ClinVar aggregate classification (germline): Uncertain significance (1 of 4 stars; one submission).

Allele frequency attached by ClinVar (database versions not stated): gnomAD exomes 0.00001; ExAC 0.00002.
gnomAD v4.1: 7 of 1,604,464 alleles (0.00044%); highest among the groups gnomAD compares: Middle Eastern, 0.017%; no homozygotes.

Submission:

Labcorp Genetics (formerly Invitae), Labcorp
Classification: Uncertain significance. Last evaluated: 2022-11-12. Review status: criteria provided, single submitter. Criteria: Invitae Variant Classification Sherloc (09022015). Collection method: clinical testing. Allele origin: germline.
Comment: This sequence change replaces aspartic acid, which is acidic and polar, with tyrosine, which is neutral and polar, at codon 444 of the PLEKHM2 protein (p.Asp444Tyr). This variant is present in population databases (rs773770696, gnomAD 0.001%). This variant has not been reported in the literature in individuals affected with PLEKHM2-related conditions. ClinVar contains an entry for this variant (Variation ID: 861667). Algorithms developed to predict the effect of missense changes on protein structure and function are either unavailable or do not agree on the potential impact of this missense change (SIFT: "Deleterious"; PolyPhen-2: "Benign"; Align-GVGD: "Class C0"). Algorithms developed to predict the effect of sequence changes on RNA splicing suggest that this variant may create or strengthen a splice site. In summary, the available evidence is currently insufficient to determine the role of this variant in disease. Therefore, it has been classified as a Variant of Uncertain Significance.

NM_015164.4(PLEKHM2):c.1330G>T (p.Asp444Tyr)

Gene: PLEKHM2 (pleckstrin homology and RUN domain containing M2; plus strand). Cytogenetic location: 1p36.21.
Variant type: single nucleotide variant.
Coding change: c.1330G>T on transcript NM_015164.4 (MANE Select); coding-DNA position 1330, G replaced by T.
Protein change: p.Asp444Tyr; replaces aspartic acid 444 with tyrosine.
Molecular consequence: missense variant.
Genome position (GRCh38, 1-based): chr1:15,727,402, G>T. VCF-style: chr1-15727402-G-T. GRCh37 (hg19) VCF-style: chr1-16053897-G-T.
Other names: short protein forms D444Y.
Identifiers: ClinVar variation 861667 (VCV000861667.9), dbSNP rs773770696, ClinGen allele CA616919.